The following is an entry in ClinVar:

NM_058246.4(DNAJB6):c.676T>G (p.Ser226Ala)

Gene: DNAJB6 (DnaJ heat shock protein family (Hsp40) member B6; plus strand). Cytogenetic location: 7q36.3.
Variant type: single nucleotide variant.
Coding change: c.676T>G on transcript NM_058246.4 (MANE Select); coding-DNA position 676, T replaced by G.
Protein change: p.Ser226Ala; replaces serine 226 with alanine.
Molecular consequence: missense variant. On other transcripts: intron variant (1).
Genome position (GRCh38, 1-based): chr7:157,385,596, T>G. VCF-style: chr7-157385596-T-G. GRCh37 (hg19) VCF-style: chr7-157178290-T-G.
Other names: c.676T>G, p.Ser226Ala (NM_005494.3); c.346+18113T>G (NM_001363676.1); short protein forms S226A.
Identifiers: ClinVar variation 857062 (VCV000857062.12), dbSNP rs1801013122, ClinGen allele CA370167017.

ClinVar aggregate classification (germline): Uncertain significance. Review status: criteria provided, multiple submitters, no conflicts (2 of 4 stars). 2 submissions from 2 submitters: Uncertain significance (2). Last evaluated 2025-01-06.

Conditions:
Autosomal dominant limb-girdle muscular dystrophy type 1D (DNAJB6) (LGMDD1). Also called: MUSCULAR DYSTROPHY, LIMB-GIRDLE, TYPE 1D; Autosomal dominant limb-girdle muscular dystrophy type 1D; Muscular dystrophy, limb-girdle, autosomal dominant 1; MUSCULAR DYSTROPHY, AUTOSOMAL DOMINANT, WITH RIMMED VACUOLES. Identifiers: Orphanet 34516, MedGen C4721885, MONDO:0021018, OMIM 603511.

Allele frequency attached by ClinVar (database versions not stated): gnomAD 0.00001; TOPMed 0.00001.

Submissions (2):

Labcorp Genetics (formerly Invitae), Labcorp
Classification: Uncertain significance for Autosomal dominant limb-girdle muscular dystrophy type 1D (DNAJB6). Last evaluated: 2025-01-06. Review status: criteria provided, single submitter. Criteria: Invitae Variant Classification Sherloc (09022015). Collection method: clinical testing. Allele origin: germline.
Comment: This sequence change replaces serine, which is neutral and polar, with alanine, which is neutral and non-polar, at codon 226 of the DNAJB6 protein (p.Ser226Ala). This variant is not present in population databases (gnomAD no frequency). This variant has not been reported in the literature in individuals affected with DNAJB6-related conditions. ClinVar contains an entry for this variant (Variation ID: 857062). Invitae Evidence Modeling of protein sequence and biophysical properties (such as structural, functional, and spatial information, amino acid conservation, physicochemical variation, residue mobility, and thermodynamic stability) indicates that this missense variant is not expected to disrupt DNAJB6 protein function with a negative predictive value of 80%. In summary, the available evidence is currently insufficient to determine the role of this variant in disease. Therefore, it has been classified as a Variant of Uncertain Significance.

Revvity Omics, Revvity
Classification: Uncertain significance for Autosomal dominant limb-girdle muscular dystrophy type 1D (DNAJB6). Last evaluated: 2024-02-06. Review status: criteria provided, single submitter. Criteria: ACMG Guidelines, 2015. Collection method: clinical testing. Allele origin: germline.